The following is an entry in ClinVar:

ClinVar aggregate classification (germline): Uncertain significance (1 of 4 stars; one submission).

Conditions:
Inborn genetic diseases. Identifiers: MedGen C0950123, MeSH D030342.

Submission:

Ambry Genetics
Classification: Uncertain significance for Inborn genetic diseases. Last evaluated: 2025-11-25. Review status: criteria provided, single submitter. Criteria: Ambry Variant Classification Scheme 2023. Collection method: clinical testing. Allele origin: germline.
Comment: The c.902T>C (p.L301P) alteration is located in exon 1 (coding exon 1) of the KCNA3 gene. This alteration results from a T to C substitution at nucleotide position 902, causing the leucine (L) at amino acid position 301 to be replaced by a proline (P). This variant was not reported in population-based cohorts in the Genome Aggregation Database (gnomAD). This amino acid position is highly conserved in available vertebrate species. This alteration is predicted to be deleterious by in silico analysis. Based on insufficient or conflicting evidence, the clinical significance of this alteration remains unclear.

NM_002232.5(KCNA3):c.902T>C (p.Leu301Pro)

Gene: KCNA3 (potassium voltage-gated channel subfamily A member 3; minus strand). Cytogenetic location: 1p13.3.
Variant type: single nucleotide variant.
Coding change: c.902T>C on transcript NM_002232.5 (MANE Select); coding-DNA position 902, T replaced by C.
Protein change: p.Leu301Pro; replaces leucine 301 with proline.
Molecular consequence: missense variant.
Genome position (GRCh38, 1-based): chr1:110,673,908, A>G on the plus strand (T>C on the coding strand, the complement: KCNA3 is on the minus strand). VCF-style: chr1-110673908-A-G. GRCh37 (hg19) VCF-style: chr1-111216530-A-G.
Other names: short protein forms L301P.
Identifiers: ClinVar variation 4622493 (VCV004622493.1).
Genomic context (GRCh38, chr1:110,673,908, plus strand): 5'-GCTTTGCTAGGACAAGCGAAGAACCGCACCAGCAGTTCGAAGGAGAACCAGATGATGCAC[A>G]GCGTCTCCACCACGAAGAAGGGATCGGAGAAGCTGGAGGCTCCTGCGCGGGACCCCGACG-3'
Protein context (NP_002223.3, residues 291-311): FSDPFFVVET[Leu301Pro]CIIWFSFELL